The following is an entry in ClinVar:

ClinVar aggregate classification (germline): Pathogenic (1 of 4 stars; one submission).

Submission:

Labcorp Genetics (formerly Invitae), Labcorp
Classification: Pathogenic. Last evaluated: 2024-02-09. Review status: criteria provided, single submitter. Criteria: Invitae Variant Classification Sherloc (09022015). Collection method: clinical testing. Allele origin: germline.
Comment: This sequence change creates a premature translational stop signal (p.Val1062Glnfs*3) in the TET2 gene. It is expected to result in an absent or disrupted protein product. Loss-of-function variants in TET2 are known to be pathogenic (PMID: 36066697). This variant is not present in population databases (gnomAD no frequency). This variant has not been reported in the literature in individuals affected with TET2-related conditions. For these reasons, this variant has been classified as Pathogenic.

Literature cited by the submitters: PubMed 36066697.

NM_001127208.3(TET2):c.3184_3187del (p.Val1062fs)

Genes: TET2 (tet methylcytosine dioxygenase 2; plus strand), TET2-AS1 (TET2 antisense RNA 1; minus strand). Cytogenetic location: 4q24.
Variant type: Deletion.
Coding change: c.3184_3187del on transcript NM_001127208.3 (MANE Select); coding-DNA positions 3184 to 3187, 4 bases deleted (GTCA; older notation c.3184_3187delGTCA).
Protein change: p.Val1062fs; shifts the reading frame from valine 1062.
Molecular consequence: frameshift variant.
Genome position (GRCh38, 1-based): chr4:105,237,126-105,237,129, GTCA deleted; deleting any 4 consecutive bases within chr4:105,237,124-105,237,129 gives the same sequence; the c. name uses the placement nearest the transcript's 3' end. VCF-style (leftmost placement, unchanged base first): chr4-105237123-CCAGT-C. GRCh37 (hg19) VCF-style: chr4-106158280-CCAGT-C.
Other names: c.3184_3187del, p.Val1062fs (NM_017628.4); short protein forms V1062fs.
Identifiers: ClinVar variation 3639898 (VCV003639898.2).